The following is an entry in ClinVar:

ClinVar aggregate classification (germline): Uncertain significance (1 of 4 stars; one submission).

Submission:

Women's Health and Genetics/Laboratory Corporation of America, LabCorp
Classification: Uncertain significance. Last evaluated: 2026-02-06. Review status: criteria provided, single submitter. Criteria: LabCorp Variant Classification Summary - May 2015. Collection method: clinical testing. Allele origin: germline.
Comment: Variant summary: EVC c.187_213del27 (p.Gln63_Ser71del) results in an in-frame deletion that is predicted to remove 9 amino acids from the encoded protein. The variant allele was found at a frequency of 3.2e-05 in 251484 control chromosomes. The available data on variant occurrences in the general population are insufficient to allow any conclusion about variant significance. To our knowledge, no occurrence of c.187_213del27 in individuals affected with EVC-related conditions and no experimental evidence demonstrating its impact on protein function have been reported. No submitters have cited clinical-significance assessments for this variant to ClinVar. Based on the evidence outlined above, the variant was classified as uncertain significance.

NM_153717.3(EVC):c.187_213del (p.Gln63_Ser71del)

Gene: EVC (EvC ciliary complex subunit 1; plus strand). Cytogenetic location: 4p16.2.
Variant type: Deletion.
Coding change: c.187_213del on transcript NM_153717.3 (MANE Select); coding-DNA positions 187 to 213, 27 bases deleted (CAAAATCTGCTCAAGAATTTGGAGTCT).
Protein change: p.Gln63_Ser71del.
Genome position (GRCh38, 1-based): chr4:5,719,260-5,719,286, CAAAATCTGCTCAAGAATTTGGAGTCT deleted; deleting any 27 consecutive bases within chr4:5,719,258-5,719,286 gives the same sequence; the c. name uses the placement nearest the transcript's 3' end. VCF-style (leftmost placement, unchanged base first): chr4-5719257-ACTCAAAATCTGCTCAAGAATTTGGAGT-A. GRCh37 (hg19) VCF-style: chr4-5720984-ACTCAAAATCTGCTCAAGAATTTGGAGT-A.
Other names: c.187_213del, p.Gln63_Ser71del (NM_001306090.2, NM_001306092.2); c.187_213del27 (NM_153717.3).
Identifiers: ClinVar variation 4848001 (VCV004848001.1).